The following is an entry in ClinVar:

NM_001270508.2(TNFAIP3):c.1382del (p.Pro461fs)

Gene: TNFAIP3 (TNF alpha induced protein 3; plus strand). Cytogenetic location: 6q23.3.
Variant type: Deletion.
Coding change: c.1382del on transcript NM_001270508.2 (MANE Select); coding-DNA position 1382, one base deleted (C; older notation c.1382delC).
Protein change: p.Pro461fs; shifts the reading frame from proline 461.
Molecular consequence: frameshift variant.
Genome position (GRCh38, 1-based): chr6:137,878,827, C deleted; the last of 4 consecutive C bases (chr6:137,878,824-137,878,827); deleting any one gives the same sequence. VCF-style (leftmost placement, unchanged base first): chr6-137878823-GC-G. GRCh37 (hg19) VCF-style: chr6-138199960-GC-G.
Other names: c.1382del, p.Pro461fs (NM_001270507.2, NM_006290.4); short protein forms P461fs.
Identifiers: ClinVar variation 2841290 (VCV002841290.3), dbSNP rs2482753368, ClinGen allele CA2739266184.
Genomic context (GRCh38, chr6:137,878,823, plus strand): 5'-GGAGAAGCCTATGAGCCCTTGGCGTGGAACCCTGAGGAGTCCACTGGGGGGCCTCATTCG[GC>G]CCCACCGACAGCACCCAGCCCTTTTCTGTTCAGTGAGACCACTGCCATGAAGTGCAGGAG-3'

ClinVar aggregate classification (germline): Pathogenic (1 of 4 stars; one submission).

Submission:

Labcorp Genetics (formerly Invitae), Labcorp
Classification: Pathogenic. Last evaluated: 2023-02-27. Review status: criteria provided, single submitter. Criteria: Invitae Variant Classification Sherloc (09022015). Collection method: clinical testing. Allele origin: germline.
Comment: For these reasons, this variant has been classified as Pathogenic. This variant has not been reported in the literature in individuals affected with TNFAIP3-related conditions. This variant is not present in population databases (gnomAD no frequency). This sequence change creates a premature translational stop signal (p.Pro461Hisfs*16) in the TNFAIP3 gene. It is expected to result in an absent or disrupted protein product. Loss-of-function variants in TNFAIP3 are known to be pathogenic (PMID: 26642243).

Literature cited by the submitters: PubMed 26642243.